The following is an entry in ClinVar:

ClinVar aggregate classification (germline): Uncertain significance. Review status: criteria provided, multiple submitters, no conflicts (2 of 4 stars). 2 submissions from 2 submitters: Uncertain significance (2). Last evaluated 2024-11-26.

Conditions:
SCN3A-related disorder. Also called: SCN3A-related condition.

Allele frequency attached by ClinVar (database versions not stated): gnomAD exomes below 0.00001; ExAC 0.00001; gnomAD 0.00001; 1000 Genomes Project 30x 0.00016; 1000 Genomes Project 0.00020.
gnomAD v4.1: 6 of 1,614,088 alleles (0.00037%); highest among the groups gnomAD compares: South Asian, 0.0055%; no homozygotes.

Submissions (2):

PreventionGenetics, part of Exact Sciences
Classification: Uncertain significance for SCN3A-related condition. Last evaluated: 2024-11-26. Review status: criteria provided, single submitter. Criteria: ACMG Guidelines, 2015. Collection method: clinical testing. Allele origin: germline.
Comment: The SCN3A c.5182C>T variant is predicted to result in the amino acid substitution p.Pro1728Ser. To our knowledge, this variant has not been reported in the literature. This variant is reported in 0.0033% of alleles in individuals of South Asian descent in gnomAD. At this time, the clinical significance of this variant is uncertain due to the absence of conclusive functional and genetic evidence.

Labcorp Genetics (formerly Invitae), Labcorp
Classification: Uncertain significance. Last evaluated: 2024-09-30. Review status: criteria provided, single submitter. Criteria: Invitae Variant Classification Sherloc (09022015). Collection method: clinical testing. Allele origin: germline.
Comment: This sequence change replaces proline, which is neutral and non-polar, with serine, which is neutral and polar, at codon 1728 of the SCN3A protein (p.Pro1728Ser). This variant is present in population databases (rs540953528, gnomAD 0.003%). This missense change has been observed in individual(s) with SCN3A-related epileptic condition (internal data). ClinVar contains an entry for this variant (Variation ID: 1045193). Invitae Evidence Modeling of protein sequence and biophysical properties (such as structural, functional, and spatial information, amino acid conservation, physicochemical variation, residue mobility, and thermodynamic stability) has been performed for this missense variant. However, the output from this modeling did not meet the statistical confidence thresholds required to predict the impact of this variant on SCN3A protein function. In summary, the available evidence is currently insufficient to determine the role of this variant in disease. Therefore, it has been classified as a Variant of Uncertain Significance.

NM_006922.4(SCN3A):c.5182C>T (p.Pro1728Ser)

Gene: SCN3A (sodium voltage-gated channel alpha subunit 3; minus strand). Cytogenetic location: 2q24.3.
Variant type: single nucleotide variant.
Coding change: c.5182C>T on transcript NM_006922.4 (MANE Select); coding-DNA position 5182, C replaced by T.
Protein change: p.Pro1728Ser; replaces proline 1728 with serine.
Molecular consequence: missense variant.
Genome position (GRCh38, 1-based): chr2:165,090,971, G>A on the plus strand (C>T on the coding strand, the complement: SCN3A is on the minus strand). VCF-style: chr2-165090971-G-A. GRCh37 (hg19) VCF-style: chr2-165947481-G-A.
Other names: c.5035C>T, p.Pro1679Ser (NM_001081676.2, NM_001081677.2); c.5182C>T (NM_006922.3); short protein forms P1728S, P1679S.
Identifiers: ClinVar variation 1045193 (VCV001045193.10), dbSNP rs540953528, ClinGen allele CA1938429.
Genomic context (GRCh38, chr2:165,090,971, plus strand): 5'-TCCCAACAGATGGGTTCCCACAGTCTCCCTTAACTGAGCTGCCAGGGTGAATTGTGTCAG[G>A]GTCACAGTCGGGTGGTGCACTATTAAGAATAGGTGCTAGCAATCCATCCCAGCCAGCAGA-3'
Protein context (NP_008853.3, residues 1718-1738): ILNSAPPDCD[Pro1728Ser]DTIHPGSSVK